The following is an entry in ClinVar:

NM_001330078.2(NRXN1):c.313G>C (p.Ala105Pro)

Gene: NRXN1 (neurexin 1; minus strand). Cytogenetic location: 2p16.3.
Variant type: single nucleotide variant.
Coding change: c.313G>C on transcript NM_001330078.2 (MANE Select); coding-DNA position 313, G replaced by C.
Protein change: p.Ala105Pro; replaces alanine 105 with proline.
Molecular consequence: missense variant.
Genome position (GRCh38, 1-based): chr2:51,027,961, C>G on the plus strand (G>C on the coding strand, the complement: NRXN1 is on the minus strand). VCF-style: chr2-51027961-C-G. GRCh37 (hg19) VCF-style: chr2-51255099-C-G.
Other names: c.313G>C, p.Ala105Pro (NM_001135659.3, NM_001330077.2, NM_001330079.2 and 15 more transcripts); short protein forms A105P.
Identifiers: ClinVar variation 3680827 (VCV003680827.2).

ClinVar aggregate classification (germline): Uncertain significance (1 of 4 stars; one submission).

Conditions:
Pitt-Hopkins-like syndrome 2 (PTHSL2). Identifiers: Orphanet 221150, Orphanet 600663, MedGen C3280479, MONDO:0013690, OMIM 614325.

Submission:

Labcorp Genetics (formerly Invitae), Labcorp
Classification: Uncertain significance for Pitt-Hopkins-like syndrome 2. Last evaluated: 2024-11-15. Review status: criteria provided, single submitter. Criteria: Invitae Variant Classification Sherloc (09022015). Collection method: clinical testing. Allele origin: germline.
Comment: This sequence change replaces alanine, which is neutral and non-polar, with proline, which is neutral and non-polar, at codon 105 of the NRXN1 protein (p.Ala105Pro). This variant is not present in population databases (gnomAD no frequency). This variant has not been reported in the literature in individuals affected with NRXN1-related conditions. An algorithm developed to predict the effect of missense changes on protein structure and function (PolyPhen-2) suggests that this variant is likely to be tolerated. In summary, the available evidence is currently insufficient to determine the role of this variant in disease. Therefore, it has been classified as a Variant of Uncertain Significance.